The following is an entry in ClinVar:

NM_001348716.2(KDM6B):c.751_756del (p.Leu251_Pro252del)

Gene: KDM6B (lysine demethylase 6B; plus strand). Cytogenetic location: 17p13.1.
Variant type: Deletion.
Coding change: c.751_756del on transcript NM_001348716.2 (MANE Select); coding-DNA positions 751 to 756, 6 bases deleted (TTACCA; older notation c.751_756delTTACCA).
Protein change: p.Leu251_Pro252del.
Genome position (GRCh38, 1-based): chr17:7,846,858-7,846,863, TTACCA deleted; deleting any 6 consecutive bases within chr17:7,846,854-7,846,863 gives the same sequence; the c. name uses the placement nearest the transcript's 3' end. VCF-style (leftmost placement, unchanged base first): chr17-7846853-CACCATT-C. GRCh37 (hg19) VCF-style: chr17-7750171-CACCATT-C.
Other names: c.751_756del, p.Leu251_Pro252del (NM_001080424.2).
Identifiers: ClinVar variation 4933325 (VCV004933325.2).

ClinVar aggregate classification (germline): Likely benign. Review status: criteria provided, multiple submitters, no conflicts (2 of 4 stars). 2 submissions from 2 submitters: Likely benign (2). Last evaluated 2026-08-01.

Submissions (2):

CeGaT Center for Human Genetics Tuebingen
Classification: Likely benign. Last evaluated: 2026-08-01. Review status: criteria provided, single submitter. Criteria: CeGaT Center For Human Genetics Tuebingen Variant Classification Criteria Version 2. Collection method: clinical testing. Allele origin: germline. Affected: yes. Observed: 1 variant allele.
Comment: KDM6B: BS1

Blueprint Genetics
Classification: Likely benign. Last evaluated: 2024-10-23. Review status: criteria provided, single submitter. Criteria: ACMG Guidelines, 2015. Collection method: clinical testing. Allele origin: germline.